The following is an entry in ClinVar:

NM_003190.5(TAPBP):c.576C>T (p.Ala192=)

Gene: TAPBP (TAP binding protein; minus strand). Cytogenetic location: 6p21.32.
Variant type: single nucleotide variant.
Coding change: c.576C>T on transcript NM_003190.5 (MANE Select); coding-DNA position 576, C replaced by T.
Protein change: p.Ala192=; no amino-acid change (alanine 192 retained).
Molecular consequence: synonymous variant.
Genome position (GRCh38, 1-based): chr6:33,305,281, G>A on the plus strand (C>T on the coding strand, the complement: TAPBP is on the minus strand). VCF-style: chr6-33305281-G-A. GRCh37 (hg19) VCF-style: chr6-33273058-G-A.
Other names: c.576C>T, p.Ala192= (NM_172208.3); c.315C>T, p.Ala105= (NM_172209.3).
Identifiers: ClinVar variation 743711 (VCV000743711.13), dbSNP rs950808132, ClinGen allele CA137089230.

ClinVar aggregate classification (germline): Likely benign. Review status: criteria provided, multiple submitters, no conflicts (2 of 4 stars). 2 submissions from 2 submitters: Likely benign (2). Last evaluated 2026-02-01.

Conditions:
MHC class I deficiency. Identifiers: Orphanet 34592, MedGen C6024714, MONDO:0011476.

Allele frequency attached by ClinVar (database versions not stated): gnomAD exomes 0.00002 and 0.00005; TOPMed 0.00003; gnomAD 0.00005 and 0.00006.
gnomAD v4.1: 73 of 1,591,946 alleles (0.0046%); highest among the groups gnomAD compares: Non-Finnish European, 0.0062%; no homozygotes.

Submissions (2):

CeGaT Center for Human Genetics Tuebingen
Classification: Likely benign. Last evaluated: 2026-02-01. Review status: criteria provided, single submitter. Criteria: CeGaT Center For Human Genetics Tuebingen Variant Classification Criteria Version 2. Collection method: clinical testing. Allele origin: germline. Affected: yes. Observed: 1 variant allele.
Comment: TAPBP: BP4, BP7

Labcorp Genetics (formerly Invitae), Labcorp
Classification: Likely benign for MHC class I deficiency 1. Last evaluated: 2026-01-06. Review status: criteria provided, single submitter. Criteria: Invitae Variant Classification Sherloc (09022015). Collection method: clinical testing. Allele origin: germline.